The following is an entry in ClinVar:

NM_014159.7(SETD2):c.2302G>C (p.Val768Leu)

Gene: SETD2 (SET domain containing 2, histone lysine methyltransferase; minus strand). Cytogenetic location: 3p21.31.
Variant type: single nucleotide variant.
Coding change: c.2302G>C on transcript NM_014159.7 (MANE Select); coding-DNA position 2302, G replaced by C.
Protein change: p.Val768Leu; replaces valine 768 with leucine.
Molecular consequence: missense variant. On other transcripts: non-coding transcript variant (1).
Genome position (GRCh38, 1-based): chr3:47,122,334, C>G on the plus strand (G>C on the coding strand, the complement: SETD2 is on the minus strand). VCF-style: chr3-47122334-C-G. GRCh37 (hg19) VCF-style: chr3-47163824-C-G.
Other names: c.2170G>C, p.Val724Leu (NM_001349370.3); short protein forms V768L, V724L.
Identifiers: ClinVar variation 135228 (VCV000135228.16), dbSNP rs9311404, ClinGen allele CA162077.
Genomic context (GRCh38, chr3:47,122,334, plus strand): 5'-TTTTGCAGCAAGAAACCCTCGTATCAACTGGTTCTTTAACTACTGTTTTGGAATAATCCA[C>G]AGTCATAACTGGCATAGACATGAGTTTATCTTGGTGTGGTGACACCAGAGGTTCTGTTTC-3'
Protein context (NP_054878.5, residues 758-778): DKLMSMPVMT[Val768Leu]DYSKTVVKEP

ClinVar aggregate classification (germline): Benign/Likely benign. Review status: criteria provided, multiple submitters, no conflicts (2 of 4 stars). 7 submissions from 7 submitters: Benign (2); Likely benign (3). 2 of the submissions do not count toward it. Last evaluated 2026-01-19.

Conditions:
SETD2-related disorder.
Luscan-Lumish syndrome. Identifiers: Orphanet 597738, MedGen C4085873, MONDO:0014791, OMIM 616831.

Allele frequency attached by ClinVar (database versions not stated): ExAC 0.00069; gnomAD 0.00182; TOPMed 0.00237; 1000 Genomes Project 0.00260; 1000 Genomes Project 30x 0.00265; ESP Exome Variant Server 0.00315.
gnomAD v4.1: 615 of 1,614,184 alleles (0.038%); highest among the groups gnomAD compares: African/African-American, 0.74%; 1 homozygote.

Submissions (7):

Labcorp Genetics (formerly Invitae), Labcorp
Classification: Benign for Luscan-Lumish syndrome. Last evaluated: 2026-01-19. Review status: criteria provided, single submitter. Criteria: Invitae Variant Classification Sherloc (09022015). Collection method: clinical testing. Allele origin: germline.

Blueprint Genetics
Classification: Likely benign. Last evaluated: 2024-09-04. Review status: criteria provided, single submitter. Criteria: ACMG Guidelines, 2015. Collection method: clinical testing. Allele origin: germline.

Genome-Nilou Lab
Classification: Likely benign for Luscan-Lumish syndrome. Last evaluated: 2022-03-15. Review status: criteria provided, single submitter. Criteria: ACMG Guidelines, 2015. Collection method: clinical testing. Allele origin: germline. Affected: no.

GeneDx
Classification: Benign. Last evaluated: 2021-07-21. Review status: criteria provided, single submitter. Criteria: GeneDx Variant Classification Process June 2021. Collection method: clinical testing. Allele origin: germline. Affected: yes.

Athena Diagnostics
Classification: Likely benign. Last evaluated: 2018-02-21. Review status: criteria provided, single submitter. Criteria: Athena Diagnostics Criteria. Collection method: clinical testing. Allele origin: germline.

PreventionGenetics, part of Exact Sciences
Classification: Benign for SETD2-related condition. Last evaluated: 2019-02-22. Review status: no assertion criteria provided. Collection method: clinical testing. Allele origin: germline. Not counted in ClinVar's aggregate classification.
Comment: This variant is classified as benign based on ACMG/AMP sequence variant interpretation guidelines (Richards et al. 2015 PMID: 25741868, with internal and published modifications).

ITMI
No classification provided. Condition: AllHighlyPenetrant. Last evaluated: 2013-09-19. Review status: no classification provided. Collection method: reference population. Allele origin: germline. Not counted in ClinVar's aggregate classification.
Comment: Please see associated publication for description of ethnicities

Literature cited by the submitters: PubMed 24728327 (cited by ITMI).